The following is an entry in ClinVar:

NM_000486.6(AQP2):c.127C>T (p.Gln43Ter)

Gene: AQP2 (aquaporin 2; plus strand). Cytogenetic location: 12q13.12.
Variant type: single nucleotide variant.
Coding change: c.127C>T on transcript NM_000486.6 (MANE Select); coding-DNA position 127, C replaced by T.
Protein change: p.Gln43Ter; replaces glutamine 43 with a stop codon.
Molecular consequence: nonsense.
Genome position (GRCh38, 1-based): chr12:49,950,957, C>T. VCF-style: chr12-49950957-C-T. GRCh37 (hg19) VCF-style: chr12-50344740-C-T.
Other names: short protein forms Q43*.
Identifiers: ClinVar variation 1454564 (VCV001454564.8), dbSNP rs1481158831, ClinGen allele CA384771830.

ClinVar aggregate classification (germline): Pathogenic/Likely pathogenic. Review status: criteria provided, multiple submitters, no conflicts (2 of 4 stars). 3 submissions from 3 submitters: Pathogenic (1); Likely pathogenic (2). Last evaluated 2024-04-18.

Conditions:
Diabetes insipidus, nephrogenic, autosomal (NDI2). Also called: Diabetes insipidus, nephrogenic, 2, autosomal; Nephrogenic Diabetes Insipidus, Type II. Identifiers: Orphanet 223, MedGen C1563706, MONDO:0007451, OMIM 125800.
Nephrogenic diabetes insipidus. Identifiers: Orphanet 223, MedGen C0162283, MONDO:0016383, HP:0009806.

Allele frequency attached by ClinVar (database versions not stated): gnomAD exomes below 0.00001.
gnomAD v4.1: 1 of 1,614,246 alleles (0.000062%); highest among the groups gnomAD compares: Admixed American, 0.0017%; no homozygotes.

Submissions (3):

Laboratory for Molecular Medicine, Mass General Brigham Personalized Medicine
Classification: Likely pathogenic for Nephrogenic diabetes insipidus. Last evaluated: 2024-04-18. Review status: criteria provided, single submitter. Criteria: ACMG Guidelines, 2015. Collection method: clinical testing. Allele origin: germline. Inheritance: Autosomal recessive inheritance.
Comment: The p.Gln43X variant in AQP2 has not been previously reported in the literature in individuals with AQP2-associated disorders but been reported by other clinical laboratories in ClinVar (Variation ID 1454564). It has also been identified in 0.002% (1/43738) of Admixed American chromosomes by gnomAD (v.4.0.0). This nonsense variant leads to a premature termination codon at position 43, which is predicted to lead to a truncated or absent protein. Biallelic loss of function variants in the AQP2 gene have been reported in individuals with autosomal recessive nephrogenic diabetes insipidus (Hochberg 1997 PMID: 9024277, Tajima 2003 PMID: 14599123, Bichet 2016 PMID: 27156763). Additionally, AQP2 conditional-knockouts models targeted to renal collecting ducts showed increased urine production and decreased urinary osmolality, consistent with the human phenotype. AQP2-null mice died within 2 weeks of age and showed kidney papillary atrophy and signs of hydronephrosis (Rojek 2006 PMID: 16581908). In summary, although additional studies are required to fully establish its clinical significance, this variant meets criteria to be classified as likely pathogenic for autosomal recessive nephrogenic diabetes insipidus. ACMG/AMP Criteria applied: PVS1, PM2_Supporting.

Labcorp Genetics (formerly Invitae), Labcorp
Classification: Pathogenic. Last evaluated: 2022-09-22. Review status: criteria provided, single submitter. Criteria: Invitae Variant Classification Sherloc (09022015). Collection method: clinical testing. Allele origin: germline.
Comment: For these reasons, this variant has been classified as Pathogenic. ClinVar contains an entry for this variant (Variation ID: 1454564). This variant has not been reported in the literature in individuals affected with AQP2-related conditions. This variant is present in population databases (no rsID available, gnomAD 0.003%). This sequence change creates a premature translational stop signal (p.Gln43*) in the AQP2 gene. It is expected to result in an absent or disrupted protein product. Loss-of-function variants in AQP2 are known to be pathogenic (PMID: 9024277, 27156763).

Fulgent Genetics
Classification: Likely pathogenic for Diabetes insipidus, nephrogenic, autosomal. Last evaluated: 2021-11-24. Review status: criteria provided, single submitter. Criteria: ACMG Guidelines, 2015. Collection method: clinical testing. Allele origin: unknown.

Literature cited by the submitters: PubMed 9024277 (cited by Laboratory for Molecular Medicine, Mass General Brigham Personalized Medicine and Labcorp Genetics (formerly Invitae), Labcorp); PubMed 27156763 (cited by Laboratory for Molecular Medicine, Mass General Brigham Personalized Medicine and Labcorp Genetics (formerly Invitae), Labcorp); PubMed 16581908 (cited by Laboratory for Molecular Medicine, Mass General Brigham Personalized Medicine); PubMed 14599123 (cited by Laboratory for Molecular Medicine, Mass General Brigham Personalized Medicine).